The following is an entry in ClinVar:

ClinVar aggregate classification (germline): Conflicting classifications of pathogenicity. Review status: criteria provided, conflicting classifications (1 of 4 stars). 4 submissions from 4 submitters: Uncertain significance (3); Likely benign (1). Last evaluated 2026-01-21.

Allele frequency attached by ClinVar (database versions not stated): gnomAD 0.00001; gnomAD exomes 0.00001 and 0.00003; ExAC 0.00002; TOPMed 0.00002.
gnomAD v4.1: 23 of 1,613,820 alleles (0.0014%); highest among the groups gnomAD compares: Non-Finnish European, 0.0019%; no homozygotes.

Submissions (4):

Labcorp Genetics (formerly Invitae), Labcorp
Classification: Uncertain significance. Last evaluated: 2026-01-21. Review status: criteria provided, single submitter. Criteria: Invitae Variant Classification Sherloc (09022015). Collection method: clinical testing. Allele origin: germline.
Comment: This sequence change replaces tyrosine, which is neutral and polar, with histidine, which is basic and polar, at codon 1992 of the CACNA1D protein (p.Tyr1992His). This variant is present in population databases (rs768899746, gnomAD 0.007%). This variant has not been reported in the literature in individuals affected with CACNA1D-related conditions. ClinVar contains an entry for this variant (Variation ID: 1422243). An algorithm developed to predict the effect of missense changes on protein structure and function (PolyPhen-2) suggests that this variant is likely to be tolerated. In summary, the available evidence is currently insufficient to determine the role of this variant in disease. Therefore, it has been classified as a Variant of Uncertain Significance.

Mayo Clinic Laboratories, Mayo Clinic
Classification: Uncertain significance. Last evaluated: 2025-07-08. Review status: criteria provided, single submitter. Criteria: ACMG Guidelines, 2015. Collection method: clinical testing. Allele origin: germline. Observed: 1 variant allele.
Comment: BP4_moderate, PP2

Blueprint Genetics
Classification: Likely benign. Last evaluated: 2024-11-17. Review status: criteria provided, single submitter. Criteria: ACMG Guidelines, 2015. Collection method: clinical testing. Allele origin: germline.

GeneDx
Classification: Uncertain significance. Last evaluated: 2024-07-31. Review status: criteria provided, single submitter. Criteria: GeneDx Variant Classification Process June 2021. Collection method: clinical testing. Allele origin: germline. Affected: yes.
Comment: In silico analysis indicates that this missense variant does not alter protein structure/function; Has not been previously published as pathogenic or benign to our knowledge

NM_001128840.3(CACNA1D):c.5914T>C (p.Tyr1972His)

Gene: CACNA1D (calcium voltage-gated channel subunit alpha1 D; plus strand). Cytogenetic location: 3p21.1.
Variant type: single nucleotide variant.
Coding change: c.5914T>C on transcript NM_001128840.3 (MANE Select); coding-DNA position 5914, T replaced by C.
Protein change: p.Tyr1972His; replaces tyrosine 1972 with histidine.
Molecular consequence: missense variant.
Genome position (GRCh38, 1-based): chr3:53,810,020, T>C. VCF-style: chr3-53810020-T-C. GRCh37 (hg19) VCF-style: chr3-53844047-T-C.
Other names: p.Tyr1992His; c.5974T>C (NM_000720.2); c.5974T>C, p.Tyr1992His (NM_000720.4); c.5842T>C, p.Tyr1948His (NM_001128839.3); short protein forms Y1948H, Y1972H, Y1992H.
Identifiers: ClinVar variation 1422243 (VCV001422243.9), dbSNP rs768899746, ClinGen allele CA2455318.
Genomic context (GRCh38, chr3:53,810,020, plus strand): 5'-AGTCCCCTCTTTCCTCAGATCATGGCAGTTGCCGGCCTAGATTCAAGTAAAGCCCAGAAG[T>C]ACTCACCGAGTCACTCGACCCGGTCGTGGGCCACCCCTCCAGCAACCCCTCCCTACCGGG-3'
Protein context (NP_001122312.1, residues 1962-1982): AGLDSSKAQK[Tyr1972His]SPSHSTRSWA